The following is an entry in ClinVar:

NM_000302.4(PLOD1):c.1149T>C (p.Ala383=)

Gene: PLOD1 (procollagen-lysine,2-oxoglutarate 5-dioxygenase 1; plus strand). Cytogenetic location: 1p36.22.
Variant type: single nucleotide variant.
Coding change: c.1149T>C on transcript NM_000302.4 (MANE Select); coding-DNA position 1149, T replaced by C.
Protein change: p.Ala383=; no amino-acid change (alanine 383 retained).
Molecular consequence: synonymous variant.
Genome position (GRCh38, 1-based): chr1:11,963,583, T>C. VCF-style: chr1-11963583-T-C. GRCh37 (hg19) VCF-style: chr1-12023640-T-C.
Other names: c.1290T>C, p.Ala430= (NM_001316320.2).
Identifiers: ClinVar variation 392533 (VCV000392533.4), dbSNP rs1051856481, ClinGen allele CA16603403.
Genomic context (GRCh38, chr1:11,963,583, plus strand): 5'-TCCTTGCAGAGACCTGTGCCGGCAGGACCGCAGCTGCACCTACTACTTCAGCGTGGATGC[T>C]GACGTGGCCCTGACCGAGCCCAACAGCCTGCGGCTGCTGATCCAACAGAACAAGTGAGGC-3'
Protein context (NP_000293.2, residues 373-393): RSCTYYFSVD[Ala383=]DVALTEPNSL

ClinVar aggregate classification (germline): Likely benign. Review status: criteria provided, multiple submitters, no conflicts (2 of 4 stars). 3 submissions from 3 submitters: Likely benign (3). Last evaluated 2025-10-16.

Conditions:
Familial thoracic aortic aneurysm and aortic dissection (TAAD). Also called: Thoracic aortic aneurysms and dissections. Identifiers: Orphanet 91387, MedGen C4707243, MONDO:0019625.
Ehlers-Danlos syndrome, kyphoscoliotic type 1 (EDSKSCL1). Also called: EHLERS-DANLOS SYNDROME, TYPE VIA; EHLERS-DANLOS SYNDROME, OCULAR-SCOLIOTIC TYPE; PLOD1-Related Kyphoscoliotic Ehlers-Danlos Syndrome; Ehlers-Danlos syndrome, hydroxylysine-deficient. Identifiers: Orphanet 1900, MedGen C0268342, MONDO:0016002, OMIM 225400. Disease mechanism: loss of function.

Allele frequency attached by ClinVar (database versions not stated): TOPMed below 0.00001; gnomAD 0.00001.

Submissions (3):

Labcorp Genetics (formerly Invitae), Labcorp
Classification: Likely benign for Ehlers-Danlos syndrome, kyphoscoliotic type 1. Last evaluated: 2025-10-16. Review status: criteria provided, single submitter. Criteria: Invitae Variant Classification Sherloc (09022015). Collection method: clinical testing. Allele origin: germline.

Ambry Genetics
Classification: Likely benign for Familial thoracic aortic aneurysm and aortic dissection. Last evaluated: 2022-10-30. Review status: criteria provided, single submitter. Criteria: Ambry Variant Classification Scheme 2023. Collection method: clinical testing. Allele origin: germline.

GeneDx
Classification: Likely benign. Last evaluated: 2017-01-09. Review status: criteria provided, single submitter. Criteria: GeneDx Variant Classification (06012015). Collection method: clinical testing. Allele origin: germline. Affected: yes.
Comment: This variant is considered likely benign or benign based on one or more of the following criteria: it is a conservative change, it occurs at a poorly conserved position in the protein, it is predicted to be benign by multiple in silico algorithms, and/or has population frequency not consistent with disease.